The following is an entry in ClinVar:

ClinVar aggregate classification (germline): Likely benign. Review status: criteria provided, single submitter (1 of 4 stars). 2 submissions from 2 submitters: Likely benign (1). 1 of the submissions does not count toward it. Last evaluated 2025-06-05.

Conditions:
Kabuki syndrome. Also called: Kabuki make-up syndrome; NIIKAWA-KUROKI SYNDROME. Identifiers: Orphanet 2322, MedGen C0796004, MONDO:0016512.
KMT2D-related disorder. Also called: KMT2D-Related Disorders.

Allele frequency attached by ClinVar (database versions not stated): gnomAD 0.00002; gnomAD exomes below 0.00001; ExAC 0.00001; TOPMed 0.00004; ESP Exome Variant Server 0.00008.

Submissions (2):

Labcorp Genetics (formerly Invitae), Labcorp
Classification: Likely benign for Kabuki syndrome. Last evaluated: 2025-06-05. Review status: criteria provided, single submitter. Criteria: Invitae Variant Classification Sherloc (09022015). Collection method: clinical testing. Allele origin: germline.

PreventionGenetics, part of Exact Sciences
Classification: Likely benign for KMT2D-related condition. Last evaluated: 2023-09-12. Review status: no assertion criteria provided. Collection method: clinical testing. Allele origin: germline. Not counted in ClinVar's aggregate classification.
Comment: This variant is classified as likely benign based on ACMG/AMP sequence variant interpretation guidelines (Richards et al. 2015 PMID: 25741868, with internal and published modifications).

NM_003482.4(KMT2D):c.10355+10_10355+11del

Gene: KMT2D (lysine methyltransferase 2D; minus strand). Cytogenetic location: 12q13.12.
Variant type: Deletion.
Coding change: c.10355+10_10355+11del on transcript NM_003482.4 (MANE Select); bases 10 to 11 of the intron after coding-DNA position 10355, 2 bases deleted (AG; older notation c.10355+10_10355+11delAG).
Molecular consequence: intron variant.
Genome position (GRCh38, 1-based): chr12:49,034,801-49,034,802, CT deleted on the plus strand (AG on the coding strand, the reverse complement: KMT2D is on the minus strand). VCF-style (leftmost placement, unchanged base first): chr12-49034800-CCT-C. GRCh37 (hg19) VCF-style: chr12-49428583-CCT-C.
Other names: c.10355+10_10355+11delAG (NM_003482.3).
Identifiers: ClinVar variation 2913010 (VCV002913010.5), dbSNP rs763656069, ClinGen allele CA6546545.